The following is an entry in ClinVar:

ClinVar aggregate classification (germline): Uncertain significance (1 of 4 stars; one submission).

Conditions:
Early Myoclonic Encephalopathy. Identifiers: MedGen C0270855.

Submission:

Labcorp Genetics (formerly Invitae), Labcorp
Classification: Uncertain significance for Early Myoclonic Encephalopathy. Last evaluated: 2023-07-08. Review status: criteria provided, single submitter. Criteria: Invitae Variant Classification Sherloc (09022015). Collection method: clinical testing. Allele origin: germline.
Comment: In summary, the available evidence is currently insufficient to determine the role of this variant in disease. Therefore, it has been classified as a Variant of Uncertain Significance. Advanced modeling of protein sequence and biophysical properties (such as structural, functional, and spatial information, amino acid conservation, physicochemical variation, residue mobility, and thermodynamic stability) performed at Invitae indicates that this missense variant is not expected to disrupt KCND2 protein function. This variant has not been reported in the literature in individuals affected with KCND2-related conditions. This variant is not present in population databases (gnomAD no frequency). This sequence change replaces serine, which is neutral and polar, with asparagine, which is neutral and polar, at codon 502 of the KCND2 protein (p.Ser502Asn).

NM_012281.3(KCND2):c.1505G>A (p.Ser502Asn)

Gene: KCND2 (potassium voltage-gated channel subfamily D member 2; plus strand). Cytogenetic location: 7q31.31.
Variant type: single nucleotide variant.
Coding change: c.1505G>A on transcript NM_012281.3 (MANE Select); coding-DNA position 1505, G replaced by A.
Protein change: p.Ser502Asn; replaces serine 502 with asparagine.
Molecular consequence: missense variant.
Genome position (GRCh38, 1-based): chr7:120,745,817, G>A. VCF-style: chr7-120745817-G-A. GRCh37 (hg19) VCF-style: chr7-120385871-G-A.
Other names: short protein forms S502N.
Identifiers: ClinVar variation 2738289 (VCV002738289.3), dbSNP rs2485216183, ClinGen allele CA369135383.